The following is an entry in ClinVar:

NM_000217.3(KCNA1):c.235G>C (p.Glu79Gln)

Gene: KCNA1 (potassium voltage-gated channel subfamily A member 1; plus strand). Cytogenetic location: 12p13.32.
Variant type: single nucleotide variant.
Coding change: c.235G>C on transcript NM_000217.3 (MANE Select); coding-DNA position 235, G replaced by C.
Protein change: p.Glu79Gln; replaces glutamic acid 79 with glutamine.
Molecular consequence: missense variant.
Genome position (GRCh38, 1-based): chr12:4,911,613, G>C. VCF-style: chr12-4911613-G-C. GRCh37 (hg19) VCF-style: chr12-5020779-G-C.
Other names: short protein forms E79Q.
Identifiers: ClinVar variation 3363412 (VCV003363412.3).

ClinVar aggregate classification (germline): Uncertain significance. Review status: criteria provided, multiple submitters, no conflicts (2 of 4 stars). 2 submissions from 2 submitters: Uncertain significance (2). Last evaluated 2025-08-05.

Conditions:
Episodic ataxia type 1 (EA1). Also called: Episodic ataxia/myokymia syndrome; ATAXIA, EPISODIC, WITH MYOKYMIA; MYOKYMIA WITH PERIODIC ATAXIA; PAROXYSMAL ATAXIA WITH NEUROMYOTONIA, HEREDITARY. Identifiers: Orphanet 37612, Orphanet 972, MedGen C1719788, MONDO:0008047, OMIM 160120.

gnomAD v4.1: 1 of 1,614,166 alleles (0.000062%); highest among the groups gnomAD compares: Non-Finnish European, 0.000085%; no homozygotes.

Submissions (2):

GeneDx
Classification: Uncertain significance. Last evaluated: 2025-08-05. Review status: criteria provided, single submitter. Criteria: GeneDx Variant Classification Process June 2021. Collection method: clinical testing. Allele origin: germline.
Comment: Not observed at significant frequency in large population cohorts (gnomAD); In silico analysis suggests that this missense variant does not alter protein structure/function; Has not been previously published as pathogenic or benign to our knowledge

Fulgent Genetics
Classification: Uncertain significance for Episodic ataxia type 1. Last evaluated: 2024-02-23. Review status: criteria provided, single submitter. Criteria: ACMG Guidelines, 2015. Collection method: clinical testing. Allele origin: germline.